The following is an entry in ClinVar:

NM_000143.4(FH):c.150C>G (p.Phe50Leu)

Gene: FH (fumarate hydratase; minus strand). Cytogenetic location: 1q43.
Variant type: single nucleotide variant.
Coding change: c.150C>G on transcript NM_000143.4 (MANE Select); coding-DNA position 150, C replaced by G.
Protein change: p.Phe50Leu; replaces phenylalanine 50 with leucine.
Molecular consequence: missense variant.
Genome position (GRCh38, 1-based): chr1:241,517,299, G>C on the plus strand (C>G on the coding strand, the complement: FH is on the minus strand). VCF-style: chr1-241517299-G-C. GRCh37 (hg19) VCF-style: chr1-241680599-G-C.
Other names: short protein forms F50L.
Identifiers: ClinVar variation 4742538 (VCV004742538.1).

ClinVar aggregate classification (germline): Uncertain significance (1 of 4 stars; one submission).

Submission:

Labcorp Genetics (formerly Invitae), Labcorp
Classification: Uncertain significance. Last evaluated: 2025-10-29. Review status: criteria provided, single submitter. Criteria: Invitae Variant Classification Sherloc (09022015). Collection method: clinical testing. Allele origin: germline.
Comment: This sequence change replaces phenylalanine, which is neutral and non-polar, with leucine, which is neutral and non-polar, at codon 50 of the FH protein (p.Phe50Leu). This variant is not present in population databases (gnomAD no frequency). This variant has not been reported in the literature in individuals affected with FH-related conditions. Invitae Evidence Modeling of protein sequence and biophysical properties (such as structural, functional, and spatial information, amino acid conservation, physicochemical variation, residue mobility, and thermodynamic stability) has been performed for this missense variant. However, the output from this modeling did not meet the statistical confidence thresholds required to predict the impact of this variant on FH protein function. In summary, the available evidence is currently insufficient to determine the role of this variant in disease. Therefore, it has been classified as a Variant of Uncertain Significance.